The following is an entry in ClinVar:

ClinVar aggregate classification (germline): Uncertain significance (1 of 4 stars; one submission).

gnomAD v4.1: 2 of 1,201,600 alleles (0.00017%); highest among the groups gnomAD compares: Admixed American, 0.0044%; no homozygotes.

Submission:

GeneDx
Classification: Uncertain significance. Last evaluated: 2023-12-18. Review status: criteria provided, single submitter. Criteria: GeneDx Variant Classification Process June 2021. Collection method: clinical testing. Allele origin: germline. Affected: yes.
Comment: Not observed at significant frequency in large population cohorts (gnomAD); In silico analysis supports that this missense variant has a deleterious effect on protein structure/function; Has not been previously published as pathogenic or benign to our knowledge

NM_002547.3(OPHN1):c.1192G>C (p.Glu398Gln)

Gene: OPHN1 (oligophrenin 1; minus strand). Cytogenetic location: Xq12.
Variant type: single nucleotide variant.
Coding change: c.1192G>C on transcript NM_002547.3 (MANE Select); coding-DNA position 1192, G replaced by C.
Protein change: p.Glu398Gln; replaces glutamic acid 398 with glutamine.
Molecular consequence: missense variant.
Genome position (GRCh38, 1-based): chrX:68,193,899, C>G on the plus strand (G>C on the coding strand, the complement: OPHN1 is on the minus strand). VCF-style: chrX-68193899-C-G. GRCh37 (hg19) VCF-style: chrX-67413741-C-G.
Other names: short protein forms E398Q.
Identifiers: ClinVar variation 3365577 (VCV003365577.1).
Genomic context (GRCh38, chrX:68,193,899, plus strand): 5'-AATCAGAGTGACGAGATTCAGACAATGCCAAGACTATGGTTCAGATCTTACCTTTGGTCT[C>G]AATAATATTGATGCACTTCCTGACAAACTTGAAGCCCACTTCATTTAGCTCCACTGTTTC-3'
Protein context (NP_002538.1, residues 388-408): KFVRKCINII[Glu398Gln]TKGIKTEGLY